The following is an entry in ClinVar:

ClinVar aggregate classification (germline): Uncertain significance. Review status: criteria provided, multiple submitters, no conflicts (2 of 4 stars). 2 submissions from 2 submitters: Uncertain significance (2). Last evaluated 2025-08-11.

Conditions:
Inborn genetic diseases. Identifiers: MedGen C0950123, MeSH D030342.

Allele frequency attached by ClinVar (database versions not stated): ExAC 0.00001; gnomAD exomes 0.00001.
gnomAD v4.1: 4 of 1,610,856 alleles (0.00025%); highest among the groups gnomAD compares: Admixed American, 0.0067%; no homozygotes.

Submissions (2):

Ambry Genetics
Classification: Uncertain significance for Inborn genetic diseases. Last evaluated: 2025-08-11. Review status: criteria provided, single submitter. Criteria: Ambry Variant Classification Scheme 2023. Collection method: clinical testing. Allele origin: germline.

Labcorp Genetics (formerly Invitae), Labcorp
Classification: Uncertain significance. Last evaluated: 2022-03-19. Review status: criteria provided, single submitter. Criteria: Invitae Variant Classification Sherloc (09022015). Collection method: clinical testing. Allele origin: germline.
Comment: In summary, the available evidence is currently insufficient to determine the role of this variant in disease. Therefore, it has been classified as a Variant of Uncertain Significance. Algorithms developed to predict the effect of missense changes on protein structure and function output the following: SIFT: "Tolerated"; PolyPhen-2: "Not Available"; Align-GVGD: "Class C0". The glycine amino acid residue is found in multiple mammalian species, which suggests that this missense change does not adversely affect protein function. This variant has not been reported in the literature in individuals affected with PCLO-related conditions. This variant is present in population databases (rs750102563, gnomAD 0.01%). This sequence change replaces serine, which is neutral and polar, with glycine, which is neutral and non-polar, at codon 1618 of the PCLO protein (p.Ser1618Gly).

NM_033026.6(PCLO):c.4852A>G (p.Ser1618Gly)

Gene: PCLO (piccolo presynaptic cytomatrix protein; minus strand). Cytogenetic location: 7q21.11.
Variant type: single nucleotide variant.
Coding change: c.4852A>G on transcript NM_033026.6 (MANE Select); coding-DNA position 4852, A replaced by G.
Protein change: p.Ser1618Gly; replaces serine 1618 with glycine.
Molecular consequence: missense variant.
Genome position (GRCh38, 1-based): chr7:82,956,101, T>C on the plus strand (A>G on the coding strand, the complement: PCLO is on the minus strand). VCF-style: chr7-82956101-T-C. GRCh37 (hg19) VCF-style: chr7-82585417-T-C.
Other names: c.4852A>G (NM_033026.5); c.4852A>G, p.Ser1618Gly (NM_014510.3); short protein forms S1618G.
Identifiers: ClinVar variation 1949332 (VCV001949332.6), dbSNP rs750102563, ClinGen allele CA4320751.